The following is an entry in ClinVar:

ClinVar aggregate classification (germline): Uncertain significance (1 of 4 stars; one submission).

Conditions:
Deficiency of adenosine deaminase 2. Also called: Polyarteritis nodosa, childhoood-onset; Adenosine Deaminase 2 Deficiency; VASCULITIS, AUTOINFLAMMATION, IMMUNODEFICIENCY, AND HEMATOLOGIC DEFECTS SYNDROME. Identifiers: Orphanet 404553, MedGen C3887654, MONDO:0014306, OMIM 615688, MONDO:0100317.

gnomAD v4.1: 25 of 1,608,680 alleles (0.0016%); highest among the groups gnomAD compares: South Asian, 0.0022%; no homozygotes.

Submission:

Labcorp Genetics (formerly Invitae), Labcorp
Classification: Uncertain significance for Deficiency of adenosine deaminase 2. Last evaluated: 2025-01-08. Review status: criteria provided, single submitter. Criteria: Invitae Variant Classification Sherloc (09022015). Collection method: clinical testing. Allele origin: germline.
Comment: This sequence change replaces glycine, which is neutral and non-polar, with arginine, which is basic and polar, at codon 326 of the ADA2 protein (p.Gly326Arg). This variant is present in population databases (rs770635459, gnomAD 0.006%). This variant has not been reported in the literature in individuals affected with ADA2-related conditions. Invitae Evidence Modeling of protein sequence and biophysical properties (such as structural, functional, and spatial information, amino acid conservation, physicochemical variation, residue mobility, and thermodynamic stability) indicates that this missense variant is expected to disrupt ADA2 protein function with a positive predictive value of 95%. Experimental studies have shown that this missense change affects ADA2 function (PMID: 34004258). In summary, the available evidence is currently insufficient to determine the role of this variant in disease. Therefore, it has been classified as a Variant of Uncertain Significance.

Literature cited by the submitters: PubMed 34004258.

NM_001282225.2(ADA2):c.976G>A (p.Gly326Arg)

Gene: ADA2 (adenosine deaminase 2; minus strand). Cytogenetic location: 22q11.1.
Variant type: single nucleotide variant.
Coding change: c.976G>A on transcript NM_001282225.2 (MANE Select); coding-DNA position 976, G replaced by A.
Protein change: p.Gly326Arg; replaces glycine 326 with arginine.
Molecular consequence: missense variant.
Genome position (GRCh38, 1-based): chr22:17,188,444, C>T on the plus strand (G>A on the coding strand, the complement: ADA2 is on the minus strand). VCF-style: chr22-17188444-C-T. GRCh37 (hg19) VCF-style: chr22-17669334-C-T.
Other names: c.976G>A, p.Gly326Arg (NM_001282226.2); c.850G>A, p.Gly284Arg (NM_001282227.2, NM_001282228.2); c.616G>A, p.Gly206Arg (NM_001282229.2); c.253G>A, p.Gly85Arg (NM_177405.3); short protein forms G326R, G85R, G206R, G284R.
Identifiers: ClinVar variation 3709166 (VCV003709166.1).